The following is an entry in ClinVar:

ClinVar aggregate classification (germline): Uncertain significance. Review status: criteria provided, multiple submitters, no conflicts (2 of 4 stars). 2 submissions from 2 submitters: Uncertain significance (2). Last evaluated 2025-05-25.

Conditions:
Hereditary cancer-predisposing syndrome. Also called: Tumor predisposition; Hereditary Cancer Syndrome; Hereditary neoplastic syndrome; Neoplastic Syndromes, Hereditary. Identifiers: Orphanet 140162, MedGen C0027672, MeSH D009386, MONDO:0015356.

Submissions (2):

Ambry Genetics
Classification: Uncertain significance for Hereditary cancer-predisposing syndrome. Last evaluated: 2025-05-25. Review status: criteria provided, single submitter. Criteria: Ambry Variant Classification Scheme 2023. Collection method: clinical testing. Allele origin: germline.
Comment: The p.P677T variant (also known as c.2029C>A), located in coding exon 19 of the POLE gene, results from a C to A substitution at nucleotide position 2029. The proline at codon 677 is replaced by threonine, an amino acid with highly similar properties. This amino acid position is highly conserved in available vertebrate species. In addition, the in silico prediction for this alteration is inconclusive. Based on the available evidence, the clinical significance of this variant remains unclear.

Labcorp Genetics (formerly Invitae), Labcorp
Classification: Uncertain significance. Last evaluated: 2023-11-02. Review status: criteria provided, single submitter. Criteria: Invitae Variant Classification Sherloc (09022015). Collection method: clinical testing. Allele origin: germline.
Comment: This sequence change replaces proline, which is neutral and non-polar, with threonine, which is neutral and polar, at codon 677 of the POLE protein (p.Pro677Thr). This variant is not present in population databases (gnomAD no frequency). This variant has not been reported in the literature in individuals affected with POLE-related conditions. ClinVar contains an entry for this variant (Variation ID: 1991161). An algorithm developed to predict the effect of missense changes on protein structure and function (PolyPhen-2) suggests that this variant is likely to be disruptive. In summary, the available evidence is currently insufficient to determine the role of this variant in disease. Therefore, it has been classified as a Variant of Uncertain Significance.

NM_006231.4(POLE):c.2029C>A (p.Pro677Thr)

Gene: POLE (DNA polymerase epsilon, catalytic subunit; minus strand). Cytogenetic location: 12q24.33.
Variant type: single nucleotide variant.
Coding change: c.2029C>A on transcript NM_006231.4 (MANE Select); coding-DNA position 2029, C replaced by A.
Protein change: p.Pro677Thr; replaces proline 677 with threonine.
Molecular consequence: missense variant.
Genome position (GRCh38, 1-based): chr12:132,668,500, G>T on the plus strand (C>A on the coding strand, the complement: POLE is on the minus strand). VCF-style: chr12-132668500-G-T. GRCh37 (hg19) VCF-style: chr12-133245086-G-T.
Other names: c.2029C>A (NM_006231.2); short protein forms P677T.
Identifiers: ClinVar variation 1991161 (VCV001991161.5), dbSNP rs2135976417, ClinGen allele CA387354466.